The following is an entry in ClinVar:

NM_001010867.4(IBA57):c.737A>G (p.Asn246Ser)

Gene: IBA57 (iron-sulfur cluster assembly factor IBA57; plus strand). Cytogenetic location: 1q42.13.
Variant type: single nucleotide variant.
Coding change: c.737A>G on transcript NM_001010867.4 (MANE Select); coding-DNA position 737, A replaced by G.
Protein change: p.Asn246Ser; replaces asparagine 246 with serine.
Molecular consequence: missense variant.
Genome position (GRCh38, 1-based): chr1:228,175,179, A>G. VCF-style: chr1-228175179-A-G. GRCh37 (hg19) VCF-style: chr1-228362880-A-G.
Other names: c.158A>G, p.Asn53Ser (NM_001310327.2); short protein forms N53S, N246S.
Identifiers: ClinVar variation 2049522 (VCV002049522.4), dbSNP rs2034993772, ClinGen allele CA345114909.

ClinVar aggregate classification (germline): Uncertain significance (1 of 4 stars; one submission).

Conditions:
Multiple mitochondrial dysfunctions syndrome 3 (MMDS3). Identifiers: Orphanet 363424, MedGen C3809165, MONDO:0014132, OMIM 615330.
Hereditary spastic paraplegia 74. Also called: Spastic paraplegia 74, autosomal recessive. Identifiers: Orphanet 468661, MedGen C5568837, MONDO:0014644, OMIM 616451.

Allele frequency attached by ClinVar (database versions not stated): gnomAD exomes below 0.00001.

Submission:

Labcorp Genetics (formerly Invitae), Labcorp
Classification: Uncertain significance for Multiple mitochondrial dysfunctions syndrome 3; Hereditary spastic paraplegia 74. Last evaluated: 2022-08-13. Review status: criteria provided, single submitter. Criteria: Invitae Variant Classification Sherloc (09022015). Collection method: clinical testing. Allele origin: germline.
Comment: In summary, the available evidence is currently insufficient to determine the role of this variant in disease. Therefore, it has been classified as a Variant of Uncertain Significance. Algorithms developed to predict the effect of missense changes on protein structure and function (SIFT, PolyPhen-2, Align-GVGD) all suggest that this variant is likely to be disruptive. This variant has not been reported in the literature in individuals affected with IBA57-related conditions. This variant is not present in population databases (gnomAD no frequency). This sequence change replaces asparagine, which is neutral and polar, with serine, which is neutral and polar, at codon 246 of the IBA57 protein (p.Asn246Ser).